The following is an entry in ClinVar:

NM_014920.5(CILK1):c.191A>G (p.Lys64Arg)

Gene: CILK1 (ciliogenesis associated kinase 1; minus strand). Cytogenetic location: 6p12.1.
Variant type: single nucleotide variant.
Coding change: c.191A>G on transcript NM_014920.5 (MANE Select); coding-DNA position 191, A replaced by G.
Protein change: p.Lys64Arg; replaces lysine 64 with arginine.
Molecular consequence: missense variant. On other transcripts: non-coding transcript variant (1).
Genome position (GRCh38, 1-based): chr6:53,032,620, T>C on the plus strand (A>G on the coding strand, the complement: CILK1 is on the minus strand). VCF-style: chr6-53032620-T-C. GRCh37 (hg19) VCF-style: chr6-52897418-T-C.
Other names: c.191A>G, p.Lys64Arg (NM_001375397.1, NM_001375398.1, NM_001375399.1 and 4 more transcripts); c.191A>G (NM_016513.4); short protein forms K64R.
Identifiers: ClinVar variation 1897515 (VCV001897515.4), dbSNP rs1295336929, ClinGen allele CA364476096.
Genomic context (GRCh38, chr6:53,032,620, plus strand): 5'-TCCTTCATGTACTCGAAGATAAAATAAAGATGATCATTTTCCCTGATAACTTCTTTTAAT[T>C]TGACTACATTGGCATGGTTGAGCTTCTTTAAAGACTAAAAGGCAAGGAATAAACACAAAA-3'
Protein context (NP_055735.1, residues 54-74): LKKLNHANVV[Lys64Arg]LKEVIRENDH

ClinVar aggregate classification (germline): Uncertain significance. Review status: criteria provided, multiple submitters, no conflicts (2 of 4 stars). 2 submissions from 2 submitters: Uncertain significance (2). Last evaluated 2025-07-02.

Allele frequency attached by ClinVar (database versions not stated): gnomAD exomes 0.00001; TOPMed 0.00002.
gnomAD v4.1: 16 of 1,606,856 alleles (0.001%); highest among the groups gnomAD compares: Admixed American, 0.013%; no homozygotes.

Submissions (2):

Ambry Genetics
Classification: Uncertain significance. Last evaluated: 2025-07-02. Review status: criteria provided, single submitter. Criteria: Ambry Variant Classification Scheme 2023. Collection method: clinical testing. Allele origin: germline.

Labcorp Genetics (formerly Invitae), Labcorp
Classification: Uncertain significance. Last evaluated: 2022-06-15. Review status: criteria provided, single submitter. Criteria: Invitae Variant Classification Sherloc (09022015). Collection method: clinical testing. Allele origin: germline.
Comment: In summary, the available evidence is currently insufficient to determine the role of this variant in disease. Therefore, it has been classified as a Variant of Uncertain Significance. Algorithms developed to predict the effect of missense changes on protein structure and function are either unavailable or do not agree on the potential impact of this missense change (SIFT: "Deleterious"; PolyPhen-2: "Probably Damaging"; Align-GVGD: "Class C0"). This variant has not been reported in the literature in individuals affected with ICK-related conditions. This variant is present in population databases (no rsID available, gnomAD 0.02%). This sequence change replaces lysine, which is basic and polar, with arginine, which is basic and polar, at codon 64 of the ICK protein (p.Lys64Arg).